The following is an entry in ClinVar:

ClinVar aggregate classification (germline): Uncertain significance. Review status: criteria provided, multiple submitters, no conflicts (2 of 4 stars). 2 submissions from 2 submitters: Uncertain significance (2). Last evaluated 2026-03-06.

Conditions:
ISL1-related disorder. Also called: ISL1-related condition.

gnomAD v4.1: 34 of 1,614,036 alleles (0.0021%); highest among the groups gnomAD compares: South Asian, 0.0033%; no homozygotes.

Submissions (2):

PreventionGenetics, part of Exact Sciences
Classification: Uncertain significance for ISL1-related condition. Last evaluated: 2026-03-06. Review status: criteria provided, single submitter. Criteria: ACMG Guidelines, 2015. Collection method: clinical testing. Allele origin: germline.
Comment: The ISL1 c.892G>A variant is predicted to result in the amino acid substitution p.Ala298Thr. To our knowledge, this variant has not been reported in the literature. This variant is reported in 0.0098% of alleles in individuals of South Asian descent in gnomAD. At this time, the clinical significance of this variant is uncertain due to the absence of conclusive functional and genetic evidence.

Ambry Genetics
Classification: Uncertain significance. Last evaluated: 2025-05-23. Review status: criteria provided, single submitter. Criteria: Ambry Variant Classification Scheme 2023. Collection method: clinical testing. Allele origin: germline.

NM_002202.3(ISL1):c.892G>A (p.Ala298Thr)

Gene: ISL1 (ISL LIM homeobox 1; plus strand). Cytogenetic location: 5q11.1.
Variant type: single nucleotide variant.
Coding change: c.892G>A on transcript NM_002202.3 (MANE Select); coding-DNA position 892, G replaced by A.
Protein change: p.Ala298Thr; replaces alanine 298 with threonine.
Molecular consequence: missense variant.
Genome position (GRCh38, 1-based): chr5:51,391,400, G>A. VCF-style: chr5-51391400-G-A. GRCh37 (hg19) VCF-style: chr5-50687234-G-A.
Other names: short protein forms A298T.
Identifiers: ClinVar variation 4039714 (VCV004039714.2).
Genomic context (GRCh38, chr5:51,391,400, plus strand): 5'-CAGGCTAACCCAGTGGAAGTACAAAGTTACCAGCCACCTTGGAAAGTACTGAGCGACTTC[G>A]CCTTGCAGAGTGACATAGATCAGCCTGCTTTTCAGCAACTGGTAAGTGTCAGCTCCCAGA-3'
Protein context (NP_002193.2, residues 288-308): QPPWKVLSDF[Ala298Thr]LQSDIDQPAF